The following continues an entry in ClinVar:

NM_000140.5(FECH):c.315-48T>C

Gene: FECH. ClinVar aggregate classification (germline): Conflicting classifications of pathogenicity. Pathogenic (15); Likely pathogenic (6); Pathogenic, low penetrance (1); Uncertain significance (1).

Submissions 14 to 28 of 28:

Laboratory for Molecular Medicine, Mass General Brigham Personalized Medicine
Classification: Pathogenic for Autosomal erythropoietic protoporphyria. Last evaluated: 2023-10-04. Review status: criteria provided, single submitter. Criteria: ACMG Guidelines, 2015. Collection method: clinical testing. Allele origin: germline. Inheritance: Autosomal recessive inheritance.
Comment: The c.333-48T>C variant in FECH is a well-established pathogenic variant for erythropoietic protoporphyria (EPP; Gouya 2002 PMID: 11753383, Gouya 2006 PMID: 16385445, ClinVar Variation ID 562). This variant is found in >95% of individuals with FECH-associated EPP but has also been identified in 6.7% (10341/152102) of pan-ethnic chromosomes in gnomAD, including 817 homozygous individuals (v3.1.2). In vitro and in vivo functional studies demonstrate that the variant leads to aberrant splicing resulting in a mild but significant reduction in enzyme activity levels (Gouya 2002 PMID: 11753383, Barman-Aksözen 2017 PMID: 28093505). The majority of individuals with FECH-associated EPP carry this hypomorphic c.333-48T>C variant in compound heterozygosity with a rare loss-of-function allele, resulting in enzyme activity levels that are reduced by >70%. Most individuals who are homozygous for the c.333-48T>C variant do not exhibit any clinical symptoms despite having mild biochemical abnormalities; however, a few individuals with milder symptoms such as erythema on the face and extremities, mild photosensitivity after sun exposure have been reported (Mizawa 2016 PMID: 26280465, Alagappan 2017 PMID: 28054335), suggesting that the penetrance and disease severity associated with this variant is determined by the type of variant observed on the second copy of the FECH gene (in trans). In summary, despite its frequency in the general population, this variant is a hypomorphic allele that meets criteria to be classified as pathogenic for autosomal recessive EPP and is expected to cause more severe disease when in compound heterozygosity with a loss-of-function allele. ACMG/AMP Criteria applied: PM3_VeryStrong, PP1_Strong, PS3_Moderate.

Women's Health and Genetics/Laboratory Corporation of America, LabCorp
Classification: Pathogenic for Protoporphyria, erythropoietic, 1. Last evaluated: 2023-06-01. Review status: criteria provided, single submitter. Criteria: LabCorp Variant Classification Summary - May 2015. Collection method: clinical testing. Allele origin: germline.
Comment: Variant summary: FECH c.315-48T>C is located at a position not widely known to affect splicing. Four/four computational tools predict the variant has no significant impact on splicing, while one predicts that the variant strengthens a cryptic 3' acceptor site, located 63 nucleotides upstream from the canonical site. One publication reports experimental evidence confirming that this variant affects mRNA splicing, i.e. strengthening the activity of a cryptic splice site (a constitutive aberrant acceptor splice site), located 63 nucleotides upstream from the canonical site, thus increasing the amount of the aberrant transcripts from ~20% (normal) to ~40% (Gouya_2002). The variant allele was found at a frequency of 0.11 in 281694 control chromosomes, including 3957 homozygotes (gnomAD). In addition, this variant is reported with even higher allele frequencies in certain subpopulations, i.e. in the Latino- and East Asian subpopulations, with a frequency of frequency of 0.34 and 0.33, respectively. The observed variant frequency and the high number of homozygotes suggests that the variant is benign, even when found in homozygous state. However, this variant (c.315-48T>C) has been reported in the literature in over 95% of patients affected with Erythropoietic Protoporphyria (EPP), who were all compound heterozygotes for a pathogenic LoF variant in trans (e.g. Gouya_2002, Colombo_2013, Yasuda_2019). In addition, a mild disease phenotype with incomplete penetrance was also reported for homozygotes (e.g. Mizawa_2016). These data suggest that the pathogenicity (severity and penetrance) of the variant is genotype-dependent, i.e. largely determined by the variant observed in trans. Publications reporting experimental evidence suggest that the abnormally spliced mRNA is degraded by NMD (Gouya_2002), and FECH activity in peripheral blood lymphocytes from individuals who were homozygous for the C-allele was ~38% compared to individuals who were homozygous for the T-allele (Tahara_2010). The following publications have been ascertained in the context of this evaluation (PMID: 22591014, 16385445, 11753383, 26280465, 21132468, 30594473). Thirteen ClinVar submitters have assessed the variant since 2014: two classified the variant as uncertain significance, two as likely pathogenic, and nine as pathogenic. Based on the evidence outlined above, the variant seems to be a hypomorphic allele that is subject to interallelic interactions which might result in an incomplete penetrance, however it is considered pathogenic, when in found in trans with a LoF variant.

Baylor Genetics
Classification: Pathogenic for Protoporphyria, erythropoietic, 1. Last evaluated: 2023-05-21. Review status: criteria provided, single submitter. Criteria: ACMG Guidelines, 2015. Collection method: clinical testing. Allele origin: unknown.

MGZ Medical Genetics Center
Classification: Pathogenic for Protoporphyria, erythropoietic, 1. Last evaluated: 2022-05-12. Review status: criteria provided, single submitter. Criteria: ACMG Guidelines, 2015. Collection method: clinical testing. Allele origin: germline. Affected: yes. Observed: 1 variant allele.
Comment: ACMG criteria applied: PM3_VSTR, PS4, PP1_STR, PS3_SUP

Centre of Medical Genetics, University Hospital Muenster
Classification: Likely pathogenic for Protoporphyria, erythropoietic, 1. Last evaluated: 2021-12-08. Review status: criteria provided, single submitter. Criteria: ACMG Guidelines, 2015. Collection method: clinical testing. Allele origin: germline. Affected: yes. Observed: 1 variant allele, 1 compound heterozygote.
Comment: ACMG categories: PM3,PP6,BS2

CeGaT Center for Human Genetics Tuebingen
Classification: Pathogenic. Last evaluated: 2021-01-01. Review status: criteria provided, single submitter. Criteria: CeGaT Center For Human Genetics Tuebingen Variant Classification Criteria Version 2. Collection method: clinical testing. Allele origin: germline. Affected: yes. Observed: 1 variant allele.

Genetics and Molecular Pathology, SA Pathology
Classification: Pathogenic for Protoporphyria, erythropoietic, 1. Last evaluated: 2020-01-22. Review status: criteria provided, single submitter. Criteria: ACMG Guidelines, 2015. Collection method: clinical testing. Allele origin: germline. Inheritance: Autosomal recessive inheritance. Affected: yes.
Comment: In summary, despite its frequency in the general population, this variant meets criteria to be classified as pathogenic for autosomal recessive EPP; however, it should be noted that this variant is only expected to cause disease when in compound heterozygosity with a loss-of-function allele.

Mendelics
Classification: Likely pathogenic for Protoporphyria, erythropoietic, 1. Last evaluated: 2019-05-28. Review status: criteria provided, single submitter. Criteria: Mendelics Assertion Criteria 2017. Collection method: clinical testing. Allele origin: unknown.

Molecular Diagnostics Laboratory, M Health Fairview: University of Minnesota
Classification: Pathogenic for Protoporphyria, erythropoietic, 1. Last evaluated: 2017-08-22. Review status: criteria provided, single submitter. Criteria: ACMG Guidelines, 2015. Collection method: clinical testing. Allele origin: germline. Affected: yes. Observed: 1 variant allele.

Clinical Genetics Service, Universitary Hospital 12 de Octubre
Classification: Likely pathogenic for Protoporphyria, erythropoietic, 1. Review status: criteria provided, single submitter. Criteria: ACMG Guidelines, 2015. Collection method: clinical testing. Allele origin: germline. Affected: yes.

OMIM
Classification: Pathogenic for PROTOPORPHYRIA, ERYTHROPOIETIC, 1. Last evaluated: 2007-09-01. Review status: no assertion criteria provided. Collection method: literature only. Allele origin: germline. Not counted in ClinVar's aggregate classification.

GeneReviews
No classification provided. Condition: Protoporphyria, erythropoietic, 1. Review status: no classification provided. Collection method: literature only. Allele origin: unknown. Not counted in ClinVar's aggregate classification.

Genomics England Pilot Project, Genomics England
Classification: Likely pathogenic for Protoporphyria, erythropoietic, 1. Review status: no assertion criteria provided. Criteria: ACGS Guidelines, 2016. Collection method: clinical testing. Allele origin: germline. Affected: yes. Not counted in ClinVar's aggregate classification.

Centre for Mendelian Genomics, University Medical Centre Ljubljana
Classification: Uncertain significance for Erythema; Jaundice. Last evaluated: 2016-01-25. Review status: flagged submission. Collection method: clinical testing. Allele origin: unknown. Affected: yes. Not counted in ClinVar's aggregate classification.
ClinVar note: Reason: Outlier claim with insufficient supporting evidence

Centre for Mendelian Genomics, University Medical Centre Ljubljana
Classification: Uncertain significance for Protoporphyria, erythropoietic, 1. Last evaluated: 2016-01-01. Review status: flagged submission. Criteria: ACMG Guidelines, 2015. Collection method: clinical testing. Allele origin: unknown. Affected: yes. Not counted in ClinVar's aggregate classification.
Comment: This variant was classified as: Uncertain significance.
ClinVar note: Reason: Outlier claim with insufficient supporting evidence

Literature cited by the submitters: PubMed 16385445 (cited by 6 submitters); PubMed 23364466 (cited by Labcorp Genetics (formerly Invitae), Labcorp and Molecular Diagnostics Laboratory, M Health Fairview: University of Minnesota); PubMed 11753383 (cited by 4 submitters); PubMed 29941360 (cited by Labcorp Genetics (formerly Invitae), Labcorp); PubMed 1729699 (cited by Labcorp Genetics (formerly Invitae), Labcorp); PubMed 16958804 (cited by Labcorp Genetics (formerly Invitae), Labcorp and Victorian Clinical Genetics Services, Murdoch Childrens Research Institute); PubMed 18758989 (cited by Labcorp Genetics (formerly Invitae), Labcorp and Laboratory for Molecular Medicine, Mass General Brigham Personalized Medicine); PubMed 26280465 (cited by 3 submitters); PubMed 20105171 (cited by Victorian Clinical Genetics Services, Murdoch Childrens Research Institute); PubMed 31304091 (cited by Victorian Clinical Genetics Services, Murdoch Childrens Research Institute); PubMed 28093505 (cited by Laboratory for Molecular Medicine, Mass General Brigham Personalized Medicine and Molecular Diagnostics Laboratory, M Health Fairview: University of Minnesota); PubMed 28054335 (cited by Laboratory for Molecular Medicine, Mass General Brigham Personalized Medicine); PubMed 30594473 (cited by Women's Health and Genetics/Laboratory Corporation of America, LabCorp); PubMed 22591014 (cited by Women's Health and Genetics/Laboratory Corporation of America, LabCorp); PubMed 21132468 (cited by Women's Health and Genetics/Laboratory Corporation of America, LabCorp); PubMed 17875872 (cited by OMIM); PubMed 14669009 (cited by OMIM); PubMed 23016163 (cited by GeneReviews); NCBI Bookshelf NBK100826 (cited by GeneReviews).